The following is an entry in ClinVar:

ClinVar aggregate classification (germline): Uncertain significance (1 of 4 stars; one submission).

gnomAD v4.1: 25 of 1,593,688 alleles (0.0016%); highest among the groups gnomAD compares: Non-Finnish European, 0.002%; no homozygotes.

Submission:

Labcorp Genetics (formerly Invitae), Labcorp
Classification: Uncertain significance. Last evaluated: 2025-04-23. Review status: criteria provided, single submitter. Criteria: Invitae Variant Classification Sherloc (09022015). Collection method: clinical testing. Allele origin: germline.
Comment: This sequence change replaces aspartic acid, which is acidic and polar, with glycine, which is neutral and non-polar, at codon 265 of the ATP5A1 protein (p.Asp265Gly). This variant is present in population databases (no rsID available, gnomAD 0.002%). This variant has not been reported in the literature in individuals affected with ATP5A1-related conditions. Invitae Evidence Modeling of protein sequence and biophysical properties (such as structural, functional, and spatial information, amino acid conservation, physicochemical variation, residue mobility, and thermodynamic stability) indicates that this missense variant is not expected to disrupt ATP5A1 protein function with a negative predictive value of 80%. Algorithms developed to predict the effect of sequence changes on RNA splicing suggest that this variant may create or strengthen a splice site. In summary, the available evidence is currently insufficient to determine the role of this variant in disease. Therefore, it has been classified as a Variant of Uncertain Significance.

NM_004046.6(ATP5F1A):c.794A>G (p.Asp265Gly)

Gene: ATP5F1A (ATP synthase F1 subunit alpha; minus strand). Cytogenetic location: 18q21.1.
Variant type: single nucleotide variant.
Coding change: c.794A>G on transcript NM_004046.6 (MANE Select); coding-DNA position 794, A replaced by G.
Protein change: p.Asp265Gly; replaces aspartic acid 265 with glycine.
Molecular consequence: missense variant.
Genome position (GRCh38, 1-based): chr18:46,088,114, T>C on the plus strand (A>G on the coding strand, the complement: ATP5F1A is on the minus strand). VCF-style: chr18-46088114-T-C. GRCh37 (hg19) VCF-style: chr18-43668080-T-C.
Other names: c.644A>G, p.Asp215Gly (NM_001001935.3, NM_001257335.2); c.794A>G, p.Asp265Gly (NM_001001937.2); c.728A>G, p.Asp243Gly (NM_001257334.2); short protein forms D215G, D243G, D265G.
Identifiers: ClinVar variation 4708245 (VCV004708245.1).